The following is an entry in ClinVar:

NM_004946.3(DOCK2):c.4700C>T (p.Thr1567Ile)

Gene: DOCK2 (dedicator of cytokinesis 2; plus strand). Cytogenetic location: 5q35.1.
Variant type: single nucleotide variant.
Coding change: c.4700C>T on transcript NM_004946.3 (MANE Select); coding-DNA position 4700, C replaced by T.
Protein change: p.Thr1567Ile; replaces threonine 1567 with isoleucine.
Molecular consequence: missense variant. On other transcripts: non-coding transcript variant (1).
Genome position (GRCh38, 1-based): chr5:170,069,192, C>T. VCF-style: chr5-170069192-C-T. GRCh37 (hg19) VCF-style: chr5-169496196-C-T.
Other names: short protein forms T1567I.
Identifiers: ClinVar variation 1464835 (VCV001464835.7), dbSNP rs1561907435, ClinGen allele CA362113445.

ClinVar aggregate classification (germline): Uncertain significance (1 of 4 stars; one submission).

Conditions:
DOCK2 deficiency. Also called: Immunodeficiency 40. Identifiers: Orphanet 447737, MedGen C4225328, MONDO:0014637, OMIM 616433.

Allele frequency attached by ClinVar (database versions not stated): gnomAD exomes below 0.00001 and 0.00001; TOPMed below 0.00001.
gnomAD v4.1: 21 of 1,614,142 alleles (0.0013%); highest among the groups gnomAD compares: Non-Finnish European, 0.0018%; no homozygotes.

Submission:

Labcorp Genetics (formerly Invitae), Labcorp
Classification: Uncertain significance for DOCK2 deficiency. Last evaluated: 2023-08-17. Review status: criteria provided, single submitter. Criteria: Invitae Variant Classification Sherloc (09022015). Collection method: clinical testing. Allele origin: germline.
Comment: This variant has not been reported in the literature in individuals affected with DOCK2-related conditions. This variant is not present in population databases (gnomAD no frequency). This sequence change replaces threonine, which is neutral and polar, with isoleucine, which is neutral and non-polar, at codon 1567 of the DOCK2 protein (p.Thr1567Ile). ClinVar contains an entry for this variant (Variation ID: 1464835). In summary, the available evidence is currently insufficient to determine the role of this variant in disease. Therefore, it has been classified as a Variant of Uncertain Significance. An algorithm developed to predict the effect of missense changes on protein structure and function (PolyPhen-2) suggests that this variant is likely to be tolerated.